The following is an entry in ClinVar:

NM_001605.3(AARS1):c.2845C>G (p.Gln949Glu)

Gene: AARS1 (alanyl-tRNA synthetase 1; minus strand). Cytogenetic location: 16q22.1.
Variant type: single nucleotide variant.
Coding change: c.2845C>G on transcript NM_001605.3 (MANE Select); coding-DNA position 2845, C replaced by G.
Protein change: p.Gln949Glu; replaces glutamine 949 with glutamic acid.
Molecular consequence: missense variant.
Genome position (GRCh38, 1-based): chr16:70,252,783, G>C on the plus strand (C>G on the coding strand, the complement: AARS1 is on the minus strand). VCF-style: chr16-70252783-G-C. GRCh37 (hg19) VCF-style: chr16-70286686-G-C.
Other names: short protein forms Q949E.
Identifiers: ClinVar variation 476740 (VCV000476740.9), dbSNP rs375263515, ClinGen allele CA8140259.
Genomic context (GRCh38, chr16:70,252,783, plus strand): 5'-AGTTCTTTACATCCCCGAGGCGCAGCTGGGCGAAGGAAGTGGCCAGCTGCAGCGCCTCCT[G>C]CAGGCAGCCAACGTTCTTGCCTGTGGCCTGTGCAGACACATCCTTGCCACCACCTTTACC-3'
Protein context (NP_001596.2, residues 939-959): QATGKNVGCL[Gln949Glu]EALQLATSFA

ClinVar aggregate classification (germline): Uncertain significance (1 of 4 stars; one submission).

Conditions:
Charcot-Marie-Tooth disease type 2. Also called: Charcot-Marie-Tooth type 2. Identifiers: Orphanet 64746, MedGen C0270914, MONDO:0018993.

Allele frequency attached by ClinVar (database versions not stated): ExAC 0.00002; gnomAD 0.00001; ESP Exome Variant Server 0.00008; gnomAD exomes below 0.00001; TOPMed below 0.00001.
gnomAD v4.1: 2 of 1,614,086 alleles (0.00012%); highest among the groups gnomAD compares: Non-Finnish European, 0.00017%; no homozygotes.

Submission:

Labcorp Genetics (formerly Invitae), Labcorp
Classification: Uncertain significance for Charcot-Marie-Tooth disease type 2. Last evaluated: 2026-01-09. Review status: criteria provided, single submitter. Criteria: Invitae Variant Classification Sherloc (09022015). Collection method: clinical testing. Allele origin: germline.
Comment: This sequence change replaces glutamine, which is neutral and polar, with glutamic acid, which is acidic and polar, at codon 949 of the AARS protein (p.Gln949Glu). This variant is present in population databases (rs375263515, gnomAD 0.002%). This variant has not been reported in the literature in individuals affected with AARS-related conditions. ClinVar contains an entry for this variant (Variation ID: 476740). Invitae Evidence Modeling of protein sequence and biophysical properties (such as structural, functional, and spatial information, amino acid conservation, physicochemical variation, residue mobility, and thermodynamic stability) indicates that this missense variant is not expected to disrupt AARS protein function with a negative predictive value of 95%. In summary, the available evidence is currently insufficient to determine the role of this variant in disease. Therefore, it has been classified as a Variant of Uncertain Significance.